The following is an entry in ClinVar:

ClinVar aggregate classification (germline): Conflicting classifications of pathogenicity. Review status: criteria provided, conflicting classifications (1 of 4 stars). 2 submissions from 2 submitters: Uncertain significance (1); Benign (1). Last evaluated 2024-12-22.

Conditions:
Hereditary cancer-predisposing syndrome. Also called: Neoplastic Syndromes, Hereditary; Tumor predisposition; Hereditary Cancer Syndrome; Hereditary neoplastic syndrome. Identifiers: Orphanet 140162, MedGen C0027672, MeSH D009386, MONDO:0015356.
Tuberous sclerosis 2 (TSC2). Identifiers: Orphanet 805, MedGen C1860707, MONDO:0013199, OMIM 613254.

Allele frequency attached by ClinVar (database versions not stated): ExAC 0.00001; gnomAD exomes below 0.00001; TOPMed below 0.00001.
gnomAD v4.1: 1 of 1,614,004 alleles (0.000062%); highest among the groups gnomAD compares: South Asian, 0.0011%; no homozygotes.

Submissions (2):

Labcorp Genetics (formerly Invitae), Labcorp
Classification: Benign for Tuberous sclerosis 2. Last evaluated: 2024-12-22. Review status: criteria provided, single submitter. Criteria: Invitae Variant Classification Sherloc (09022015). Collection method: clinical testing. Allele origin: germline.

Ambry Genetics
Classification: Uncertain significance for Hereditary cancer-predisposing syndrome. Last evaluated: 2023-03-24. Review status: criteria provided, single submitter. Criteria: Ambry Variant Classification Scheme 2023. Collection method: clinical testing. Allele origin: germline.
Comment: The p.K69E variant (also known as c.205A>G), located in coding exon 2 of the TSC2 gene, results from an A to G substitution at nucleotide position 205. The lysine at codon 69 is replaced by glutamic acid, an amino acid with similar properties. This amino acid position is conserved. In addition, the in silico prediction for this alteration is inconclusive. Since supporting evidence is limited at this time, the clinical significance of this alteration remains unclear.

NM_000548.5(TSC2):c.205A>G (p.Lys69Glu)

Gene: TSC2 (TSC complex subunit 2; plus strand). Cytogenetic location: 16p13.3.
Variant type: single nucleotide variant.
Coding change: c.205A>G on transcript NM_000548.5 (MANE Select); coding-DNA position 205, A replaced by G.
Protein change: p.Lys69Glu; replaces lysine 69 with glutamic acid.
Molecular consequence: missense variant. On other transcripts: 5 prime UTR variant (1).
Genome position (GRCh38, 1-based): chr16:2,050,466, A>G. VCF-style: chr16-2050466-A-G. GRCh37 (hg19) VCF-style: chr16-2100467-A-G.
Other names: c.205A>G, p.Lys69Glu (NM_001077183.3, NM_001114382.3, NM_001318827.2 and 4 more transcripts); c.58A>G, p.Lys20Glu (NM_001318829.2); c.-22A>G (NM_001318831.2); c.238A>G, p.Lys80Glu (NM_001318832.2); short protein forms K69E, K80E, K20E.
Identifiers: ClinVar variation 535919 (VCV000535919.10), dbSNP rs45517095, ClinGen allele CA036103.